The following is an entry in ClinVar:

ClinVar aggregate classification (germline): Uncertain significance. Review status: criteria provided, multiple submitters, no conflicts (2 of 4 stars). 3 submissions from 3 submitters: Uncertain significance (3). Last evaluated 2025-07-16.

Conditions:
Cardiomyopathy, dilated, 2c. Identifiers: MedGen C4748647, MONDO:0032592, OMIM 618189.
PPCS-related disorder. Also called: PPCS-related condition.

Allele frequency attached by ClinVar (database versions not stated): TOPMed below 0.00001; ExAC 0.00003; gnomAD exomes 0.00001.
gnomAD v4.1: 17 of 1,613,424 alleles (0.0011%); no homozygotes.

Submissions (3):

PreventionGenetics, part of Exact Sciences
Classification: Uncertain significance for PPCS-related condition. Last evaluated: 2025-07-16. Review status: criteria provided, single submitter. Criteria: ACMG Guidelines, 2015. Collection method: clinical testing. Allele origin: germline.
Comment: The PPCS c.248T>A variant is predicted to result in premature protein termination (p.Leu83*). To our knowledge, this variant has not been reported in the literature. This variant is reported in 0.080% of alleles in individuals of Ashkenazi Jewish descent in gnomAD. Loss of function has not been established as a mechanism of PPCS-related disease yet. At this time, the clinical significance of this variant is uncertain due to the absence of conclusive functional and genetic evidence.

Department of Pathology and Laboratory Medicine, Sinai Health System
Classification: Uncertain significance for Cardiomyopathy, dilated, 2c. Last evaluated: 2022-12-22. Review status: criteria provided, single submitter. Criteria: ACMG Guidelines, 2015. Collection method: research. Allele origin: germline.

Labcorp Genetics (formerly Invitae), Labcorp
Classification: Uncertain significance. Last evaluated: 2022-03-13. Review status: criteria provided, single submitter. Criteria: Invitae Variant Classification Sherloc (09022015). Collection method: clinical testing. Allele origin: germline.
Comment: This sequence change creates a premature translational stop signal (p.Leu83*) in the PPCS gene. It is expected to result in an absent or disrupted protein product. However, the current clinical and genetic evidence is not sufficient to establish whether loss-of-function variants in PPCS cause disease. This variant is present in population databases (rs749643907, gnomAD 0.08%). This variant has not been reported in the literature in individuals affected with PPCS-related conditions. Algorithms developed to predict the effect of sequence changes on RNA splicing suggest that this variant may create or strengthen a splice site. In summary, the available evidence is currently insufficient to determine the role of this variant in disease. Therefore, it has been classified as a Variant of Uncertain Significance.

NM_024664.4(PPCS):c.248T>A (p.Leu83Ter)

Genes: CCDC30 (coiled-coil domain containing 30; plus strand), PPCS (phosphopantothenoylcysteine synthetase; plus strand), LOC129930344 (ATAC-STARR-seq lymphoblastoid active region 894; plus strand). Cytogenetic location: 1p34.2.
Variant type: single nucleotide variant.
Coding change: c.248T>A on transcript NM_024664.4 (MANE Select); coding-DNA position 248, T replaced by A.
Protein change: p.Leu83Ter; replaces leucine 83 with a stop codon.
Molecular consequence: nonsense. On other transcripts: 5 prime UTR variant (1), intron variant (6).
Genome position (GRCh38, 1-based): chr1:42,456,813, T>A. VCF-style: chr1-42456813-T-A. GRCh37 (hg19) VCF-style: chr1-42922484-T-A.
Other names: c.-445T>A (NM_001287510.2); c.248T>A, p.Leu83Ter (NM_001287511.2); c.-984+314T>A (NM_001355226.2); c.-328+314T>A (NM_001287507.1); c.-12+314T>A (NM_001287506.1); c.-12+89T>A (NM_001287508.2); c.-12+185T>A (NM_001077447.3); c.-12+230T>A (NM_001287509.2); and 1 more; short protein forms L83*.
Identifiers: ClinVar variation 1903880 (VCV001903880.4), dbSNP rs749643907, ClinGen allele CA799931.